The following is an entry in ClinVar:

NM_001142800.2(EYS):c.3632T>C (p.Leu1211Pro)

Gene: EYS (EGF-like photoreceptor maintenance factor; minus strand). Cytogenetic location: 6q12.
Variant type: single nucleotide variant.
Coding change: c.3632T>C on transcript NM_001142800.2 (MANE Select); coding-DNA position 3632, T replaced by C.
Protein change: p.Leu1211Pro; replaces leucine 1211 with proline.
Molecular consequence: missense variant.
Genome position (GRCh38, 1-based): chr6:64,617,470, A>G on the plus strand (T>C on the coding strand, the complement: EYS is on the minus strand). VCF-style: chr6-64617470-A-G. GRCh37 (hg19) VCF-style: chr6-65327363-A-G.
Other names: c.3632T>C, p.Leu1211Pro (NM_001292009.2); short protein forms L1211P.
Identifiers: ClinVar variation 1518441 (VCV001518441.4), dbSNP rs955526009, ClinGen allele CA140344027.

ClinVar aggregate classification (germline): Uncertain significance. Review status: criteria provided, multiple submitters, no conflicts (2 of 4 stars). 2 submissions from 2 submitters: Uncertain significance (2). Last evaluated 2024-03-18.

Allele frequency attached by ClinVar (database versions not stated): gnomAD exomes 0.00017; gnomAD 0.00025 and 0.00026; TOPMed 0.00026.
gnomAD v4.1: 153 of 1,550,858 alleles (0.0099%); highest among the groups gnomAD compares: Admixed American, 0.11%; no homozygotes.

Submissions (2):

Blueprint Genetics
Classification: Uncertain significance. Last evaluated: 2024-03-18. Review status: criteria provided, single submitter. Criteria: ACMG Guidelines, 2015. Collection method: clinical testing. Allele origin: germline.

Labcorp Genetics (formerly Invitae), Labcorp
Classification: Uncertain significance. Last evaluated: 2022-08-10. Review status: criteria provided, single submitter. Criteria: Invitae Variant Classification Sherloc (09022015). Collection method: clinical testing. Allele origin: germline.
Comment: This sequence change replaces leucine, which is neutral and non-polar, with proline, which is neutral and non-polar, at codon 1211 of the EYS protein (p.Leu1211Pro). This variant is present in population databases (no rsID available, gnomAD 0.08%). This variant has not been reported in the literature in individuals affected with EYS-related conditions. ClinVar contains an entry for this variant (Variation ID: 1518441). Algorithms developed to predict the effect of missense changes on protein structure and function are either unavailable or do not agree on the potential impact of this missense change (SIFT: "Deleterious"; PolyPhen-2: "Possibly Damaging"; Align-GVGD: "Class C0"). In summary, the available evidence is currently insufficient to determine the role of this variant in disease. Therefore, it has been classified as a Variant of Uncertain Significance.